The following is an entry in ClinVar:

NM_005477.3(HCN4):c.2199C>G (p.Val733=)

Gene: HCN4 (hyperpolarization activated cyclic nucleotide gated potassium channel 4; minus strand). Cytogenetic location: 15q24.1.
Variant type: single nucleotide variant.
Coding change: c.2199C>G on transcript NM_005477.3 (MANE Select); coding-DNA position 2199, C replaced by G.
Protein change: p.Val733=; no amino-acid change (valine 733 retained).
Molecular consequence: synonymous variant.
Genome position (GRCh38, 1-based): chr15:73,323,894, G>C on the plus strand (C>G on the coding strand, the complement: HCN4 is on the minus strand). VCF-style: chr15-73323894-G-C. GRCh37 (hg19) VCF-style: chr15-73616235-G-C.
Identifiers: ClinVar variation 511613 (VCV000511613.1), dbSNP rs1555475400, ClinGen allele CA491478679.
Genomic context (GRCh38, chr15:73,323,894, plus strand): 5'-GGCCATCTCCCGGTCATGCTGCACAATCTGCTGGATGATCTCATTCTCCTGGTAGTTGAA[G>C]ACGCCGGAGTTGAGGTCGTGCTGGACTTTGTGGAGGAGGATGGAGTTCTTCTTGCCTGGG-3'
Protein context (NP_005468.1, residues 723-743): HKVQHDLNSG[Val733=]FNYQENEIIQ

ClinVar aggregate classification (germline): Likely benign (1 of 4 stars; one submission).

Allele frequency attached by ClinVar (database versions not stated): gnomAD exomes below 0.00001.
gnomAD v4.1: 1 of 1,603,880 alleles (0.000062%); highest among the groups gnomAD compares: Non-Finnish European, 0.000085%; no homozygotes.

Submission:

GeneDx
Classification: Likely benign. Last evaluated: 2017-08-22. Review status: criteria provided, single submitter. Criteria: GeneDx Variant Classification (06012015). Collection method: clinical testing. Allele origin: germline. Affected: yes.
Comment: This variant is considered likely benign or benign based on one or more of the following criteria: it is a conservative change, it occurs at a poorly conserved position in the protein, it is predicted to be benign by multiple in silico algorithms, and/or has population frequency not consistent with disease.